The following is an entry in ClinVar:

ClinVar aggregate classification (germline): Conflicting classifications of pathogenicity. Review status: criteria provided, conflicting classifications (1 of 4 stars). 3 submissions from 3 submitters: Uncertain significance (1); Likely benign (2). Last evaluated 2025-03-27.

Allele frequency attached by ClinVar (database versions not stated): ExAC 0.00004; gnomAD 0.00006 and 0.00007; gnomAD exomes 0.00006 and 0.00010; TOPMed 0.00007; ESP Exome Variant Server 0.00008.
gnomAD v4.1: 166 of 1,612,704 alleles (0.01%); highest among the groups gnomAD compares: Non-Finnish European, 0.013%; no homozygotes.

Submissions (3):

Labcorp Genetics (formerly Invitae), Labcorp
Classification: Likely benign. Last evaluated: 2025-03-27. Review status: criteria provided, single submitter. Criteria: Invitae Variant Classification Sherloc (09022015). Collection method: clinical testing. Allele origin: germline.

Blueprint Genetics
Classification: Likely benign. Last evaluated: 2024-11-15. Review status: criteria provided, single submitter. Criteria: ACMG Guidelines, 2015. Collection method: clinical testing. Allele origin: germline.

GeneDx
Classification: Uncertain significance. Last evaluated: 2020-11-24. Review status: criteria provided, single submitter. Criteria: GeneDx Variant Classification Process June 2021. Collection method: clinical testing. Allele origin: germline. Affected: yes.
Comment: In silico analysis, which includes protein predictors and evolutionary conservation, supports that this variant does not alter protein structure/function; Has not been previously published as pathogenic or benign to our knowledge

NM_000142.5(FGFR3):c.885C>T (p.Gly295=)

Gene: FGFR3 (fibroblast growth factor receptor 3; plus strand). Cytogenetic location: 4p16.3.
Variant type: single nucleotide variant.
Coding change: c.885C>T on transcript NM_000142.5 (MANE Select); coding-DNA position 885, C replaced by T.
Protein change: p.Gly295=; no amino-acid change (glycine 295 retained).
Molecular consequence: synonymous variant. On other transcripts: non-coding transcript variant (1).
Genome position (GRCh38, 1-based): chr4:1,801,980, C>T. VCF-style: chr4-1801980-C-T. GRCh37 (hg19) VCF-style: chr4-1803707-C-T.
Other names: c.885C>T, p.Gly295= (NM_001163213.2, NM_001354809.2, NM_001354810.2 and 1 more transcripts).
Identifiers: ClinVar variation 1193915 (VCV001193915.9), dbSNP rs375181682, ClinGen allele CA2810003.